The following is an entry in ClinVar:

ClinVar aggregate classification (germline): Uncertain significance (1 of 4 stars; one submission).

Submission:

GeneDx
Classification: Uncertain significance. Last evaluated: 2025-03-06. Review status: criteria provided, single submitter. Criteria: GeneDx Variant Classification Process June 2021. Collection method: clinical testing. Allele origin: germline. Affected: yes.
Comment: Not observed at significant frequency in large population cohorts (gnomAD); RNA studies demonstrate a mildly damaging effect: intron retention in 40% of transcripts but intron retention is also observed in 10-20% of transcripts in a tissue-matched controls (LabCorp); In silico analysis supports a deleterious effect on splicing; Has not been previously published as pathogenic or benign to our knowledge

NM_130839.5(UBE3A):c.1608+5G>A

Genes: SNHG14 (small nucleolar RNA host gene 14; plus strand), UBE3A (ubiquitin protein ligase E3A; minus strand). Cytogenetic location: 15q11.2.
Variant type: single nucleotide variant.
Coding change: c.1608+5G>A on transcript NM_130839.5 (MANE Select); 5 bases into the intron after coding-DNA position 1608, G replaced by A.
Molecular consequence: intron variant.
Genome position (GRCh38, 1-based): chr15:25,370,561, C>T on the plus strand (G>A on the coding strand, the complement: UBE3A is on the minus strand). VCF-style: chr15-25370561-C-T. GRCh37 (hg19) VCF-style: chr15-25615708-C-T.
Other names: c.1431+5G>A (NM_001354546.2); c.301+4904G>A (NM_001354551.2); c.1548+5G>A (NM_001354549.2, NM_001354548.2, NM_130838.4 and 17 more transcripts); c.361+4904G>A (NM_001354550.2); c.1608+5G>A (NM_001354545.2, NM_001354538.2, NM_001354505.1); c.1617+5G>A (NM_000462.5).
Identifiers: ClinVar variation 4083461 (VCV004083461.1).